The following is an entry in ClinVar:

NM_001684.5(ATP2B4):c.2819A>G (p.Lys940Arg)

Gene: ATP2B4 (ATPase plasma membrane Ca2+ transporting 4; plus strand). Cytogenetic location: 1q32.1.
Variant type: single nucleotide variant.
Coding change: c.2819A>G on transcript NM_001684.5 (MANE Select); coding-DNA position 2819, A replaced by G.
Protein change: p.Lys940Arg; replaces lysine 940 with arginine.
Molecular consequence: missense variant.
Genome position (GRCh38, 1-based): chr1:203,722,484, A>G. VCF-style: chr1-203722484-A-G. GRCh37 (hg19) VCF-style: chr1-203691612-A-G.
Other names: c.2819A>G, p.Lys940Arg (NM_001001396.3, NM_001365783.2, NM_001365784.2); short protein forms K940R.
Identifiers: ClinVar variation 706059 (VCV000706059.36), dbSNP rs138580420, ClinGen allele CA1341983.

ClinVar aggregate classification (germline): Conflicting classifications of pathogenicity. Review status: criteria provided, conflicting classifications (1 of 4 stars). 5 submissions from 5 submitters: Uncertain significance (1); Likely benign (3). 1 of the submissions does not count toward it. Last evaluated 2025-12-23.

Conditions:
ATP2B4-related disorder. Also called: ATP2B4-related condition.

Allele frequency attached by ClinVar (database versions not stated): 1000 Genomes Project 0.00120; 1000 Genomes Project 30x 0.00141; ExAC 0.00143; gnomAD 0.00176 and 0.00179; gnomAD exomes 0.00176 and 0.00256; TOPMed 0.00201; ESP Exome Variant Server 0.00208.
gnomAD v4.1: 4,015 of 1,612,948 alleles (0.25%); highest among the groups gnomAD compares: Non-Finnish European, 0.3%; 11 homozygotes.

Submissions (5):

Labcorp Genetics (formerly Invitae), Labcorp
Classification: Likely benign. Last evaluated: 2025-12-23. Review status: criteria provided, single submitter. Criteria: Invitae Variant Classification Sherloc (09022015). Collection method: clinical testing. Allele origin: germline.

CeGaT Center for Human Genetics Tuebingen
Classification: Likely benign. Last evaluated: 2025-06-01. Review status: criteria provided, single submitter. Criteria: CeGaT Center For Human Genetics Tuebingen Variant Classification Criteria Version 2. Collection method: clinical testing. Allele origin: germline. Affected: yes. Observed: 3 variant alleles.
Comment: ATP2B4: BS2

Revvity Omics, Revvity
Classification: Uncertain significance. Last evaluated: 2019-09-04. Review status: criteria provided, single submitter. Criteria: ACMG Guidelines, 2015. Collection method: clinical testing. Allele origin: germline.

Breakthrough Genomics
Classification: Likely benign. Review status: criteria provided, single submitter. Criteria: ACMG Guidelines, 2015. Collection method: not provided. Allele origin: germline. Inheritance: Unknown mechanism. Affected: yes.

PreventionGenetics, part of Exact Sciences
Classification: Likely benign for ATP2B4-related condition. Last evaluated: 2020-10-23. Review status: no assertion criteria provided. Collection method: clinical testing. Allele origin: germline. Not counted in ClinVar's aggregate classification.
Comment: This variant is classified as likely benign based on ACMG/AMP sequence variant interpretation guidelines (Richards et al. 2015 PMID: 25741868, with internal and published modifications).